The following is an entry in ClinVar:

ClinVar aggregate classification (germline): Conflicting classifications of pathogenicity. Review status: criteria provided, conflicting classifications (1 of 4 stars). 2 submissions from 2 submitters: Uncertain significance (1); Likely benign (1). Last evaluated 2025-12-05.

Conditions:
Familial focal epilepsy with variable foci (FPEVF). Identifiers: Orphanet 98820, MedGen C1858477, MONDO:0020310.
Inborn genetic diseases. Identifiers: MedGen C0950123, MeSH D030342.

Allele frequency attached by ClinVar (database versions not stated): TOPMed 0.00001; gnomAD 0.00003; gnomAD exomes 0.00003.
gnomAD v4.1: 14 of 1,551,326 alleles (0.0009%); highest among the groups gnomAD compares: Admixed American, 0.0039%; no homozygotes.

Submissions (2):

Labcorp Genetics (formerly Invitae), Labcorp
Classification: Uncertain significance for Familial focal epilepsy with variable foci. Last evaluated: 2025-12-05. Review status: criteria provided, single submitter. Criteria: Invitae Variant Classification Sherloc (09022015). Collection method: clinical testing. Allele origin: germline.
Comment: This sequence change replaces alanine, which is neutral and non-polar, with threonine, which is neutral and polar, at codon 1106 of the DEPDC5 protein (p.Ala1106Thr). This variant is present in population databases (no rsID available, gnomAD 0.008%). This variant has not been reported in the literature in individuals affected with DEPDC5-related conditions. ClinVar contains an entry for this variant (Variation ID: 1520432). An algorithm developed to predict the effect of missense changes on protein structure and function outputs the following: PolyPhen-2: "Not Available". The threonine amino acid residue is found in multiple mammalian species, which suggests that this missense change does not adversely affect protein function. In summary, the available evidence is currently insufficient to determine the role of this variant in disease. Therefore, it has been classified as a Variant of Uncertain Significance.

Ambry Genetics
Classification: Likely benign for Inborn genetic diseases. Last evaluated: 2023-03-02. Review status: criteria provided, single submitter. Criteria: Ambry Variant Classification Scheme 2023. Collection method: clinical testing. Allele origin: germline.

NM_001242896.3(DEPDC5):c.3316G>A (p.Ala1106Thr)

Gene: DEPDC5 (DEP domain containing 5, GATOR1 subcomplex subunit; plus strand). Cytogenetic location: 22q12.3.
Variant type: single nucleotide variant.
Coding change: c.3316G>A on transcript NM_001242896.3 (MANE Select); coding-DNA position 3316, G replaced by A.
Protein change: p.Ala1106Thr; replaces alanine 1106 with threonine.
Molecular consequence: missense variant. On other transcripts: non-coding transcript variant (2), intron variant (5).
Genome position (GRCh38, 1-based): chr22:31,861,419, G>A. VCF-style: chr22-31861419-G-A. GRCh37 (hg19) VCF-style: chr22-32257405-G-A.
Other names: c.3316G>A (NM_001242896.1); c.3289G>A, p.Ala1097Thr (NM_001136029.4); c.3082G>A, p.Ala1028Thr (NM_001363854.2, NM_001364319.2); c.3316G>A, p.Ala1106Thr (NM_001364318.2); c.3232G>A, p.Ala1078Thr (NM_001369901.1, NM_001369902.1); c.3237+3866G>A (NM_014662.6, NM_001369903.1); c.3264+3866G>A (NM_001363852.2, NM_001364320.2); c.3030+3866G>A (NM_001242897.2); short protein forms A1078T, A1097T, A1106T, A1028T.
Identifiers: ClinVar variation 1520432 (VCV001520432.9), dbSNP rs1247651367, ClinGen allele CA411294704.